The following is an entry in ClinVar:

ClinVar aggregate classification (germline): Likely benign. Review status: criteria provided, multiple submitters, no conflicts (2 of 4 stars). 3 submissions from 3 submitters: Likely benign (2). 1 of the submissions does not count toward it. Last evaluated 2025-11-24.

Conditions:
CWC27-related disorder. Also called: CWC27-related condition.

Allele frequency attached by ClinVar (database versions not stated): gnomAD exomes 0.00001; gnomAD 0.00002.
gnomAD v4.1: 22 of 1,593,446 alleles (0.0014%); highest among the groups gnomAD compares: Non-Finnish European, 0.0016%; no homozygotes.

Submissions (3):

Labcorp Genetics (formerly Invitae), Labcorp
Classification: Likely benign. Last evaluated: 2025-11-24. Review status: criteria provided, single submitter. Criteria: Invitae Variant Classification Sherloc (09022015). Collection method: clinical testing. Allele origin: germline.

Blueprint Genetics
Classification: Likely benign. Last evaluated: 2024-07-17. Review status: criteria provided, single submitter. Criteria: ACMG Guidelines, 2015. Collection method: clinical testing. Allele origin: germline.

PreventionGenetics, part of Exact Sciences
Classification: Likely benign for CWC27-related condition. Last evaluated: 2019-05-15. Review status: no assertion criteria provided. Collection method: clinical testing. Allele origin: germline. Not counted in ClinVar's aggregate classification.
Comment: This variant is classified as likely benign based on ACMG/AMP sequence variant interpretation guidelines (Richards et al. 2015 PMID: 25741868, with internal and published modifications).

NM_005869.4(CWC27):c.615T>G (p.Leu205=)

Gene: CWC27 (CWC27 spliceosome associated cyclophilin; plus strand). Cytogenetic location: 5q12.3.
Variant type: single nucleotide variant.
Coding change: c.615T>G on transcript NM_005869.4 (MANE Select); coding-DNA position 615, T replaced by G.
Protein change: p.Leu205=; no amino-acid change (leucine 205 retained).
Molecular consequence: synonymous variant.
Genome position (GRCh38, 1-based): chr5:64,788,966, T>G. VCF-style: chr5-64788966-T-G. GRCh37 (hg19) VCF-style: chr5-64084793-T-G.
Other names: c.615T>G, p.Leu205= (NM_001297644.1, NM_001297645.2, NM_001318000.2 and 1 more transcripts); c.615T>G (NM_005869.3).
Identifiers: ClinVar variation 1133033 (VCV001133033.12), dbSNP rs1580599461, ClinGen allele CA444474946.